The following is an entry in ClinVar:

NM_006231.4(POLE):c.6434_6438del (p.Arg2145fs)

Gene: POLE (DNA polymerase epsilon, catalytic subunit; minus strand). Cytogenetic location: 12q24.33.
Variant type: Deletion.
Coding change: c.6434_6438del on transcript NM_006231.4 (MANE Select); coding-DNA positions 6434 to 6438, 5 bases deleted (GAGAC; older notation c.6434_6438delGAGAC).
Protein change: p.Arg2145fs; shifts the reading frame from arginine 2145.
Molecular consequence: frameshift variant.
Genome position (GRCh38, 1-based): chr12:132,626,210-132,626,214, GTCTC deleted on the plus strand (GAGAC on the coding strand, the reverse complement: POLE is on the minus strand); deleting any 5 consecutive bases within chr12:132,626,210-132,626,215 gives the same sequence; the c. name uses the placement nearest the transcript's 3' end. VCF-style (leftmost placement, unchanged base first): chr12-132626209-GGTCTC-G. GRCh37 (hg19) VCF-style: chr12-133202795-GGTCTC-G.
Other names: c.6434_6438delGAGAC (NM_006231.3); short protein forms R2145fs.
Identifiers: ClinVar variation 540827 (VCV000540827.8), dbSNP rs1555301223, ClinGen allele CA658798011.

ClinVar aggregate classification (germline): Pathogenic (1 of 4 stars; one submission).

Submission:

Labcorp Genetics (formerly Invitae), Labcorp
Classification: Pathogenic. Last evaluated: 2022-05-11. Review status: criteria provided, single submitter. Criteria: Invitae Variant Classification Sherloc (09022015). Collection method: clinical testing. Allele origin: germline.
Comment: This variant has not been reported in the literature in individuals affected with POLE-related conditions. This variant is not present in population databases (gnomAD no frequency). This sequence change creates a premature translational stop signal (p.Arg2145Profs*9) in the POLE gene. It is expected to result in an absent or disrupted protein product. Loss-of-function variants in POLE are known to be pathogenic (PMID: 23230001, 25948378, 30503519). ClinVar contains an entry for this variant (Variation ID: 540827). For these reasons, this variant has been classified as Pathogenic.

Literature cited by the submitters: PubMed 23230001; PubMed 25948378; PubMed 30503519.